The following is an entry in ClinVar:

ClinVar aggregate classification (germline): Uncertain significance. Review status: criteria provided, multiple submitters, no conflicts (2 of 4 stars). 3 submissions from 3 submitters: Uncertain significance (3). Last evaluated 2024-06-17.

Conditions:
Peroxisome biogenesis disorder 3A (Zellweger). Also called: PEROXISOMAL BIOGENESIS DISORDER 3A (ZELLWEGER); Peroxisome biogenesis disorder 3A. Identifiers: Orphanet 912, MedGen C3553929, MONDO:0013927, OMIM 614859.
Inborn genetic diseases. Identifiers: MedGen C0950123, MeSH D030342.

Allele frequency attached by ClinVar (database versions not stated): gnomAD 0.00002; gnomAD exomes 0.00002; TOPMed 0.00002.

Submissions (3):

Ambry Genetics
Classification: Uncertain significance for Inborn genetic diseases. Last evaluated: 2024-06-17. Review status: criteria provided, single submitter. Criteria: Ambry Variant Classification Scheme 2023. Collection method: clinical testing. Allele origin: germline.

Labcorp Genetics (formerly Invitae), Labcorp
Classification: Uncertain significance for Peroxisome biogenesis disorder 3A (Zellweger). Last evaluated: 2022-04-11. Review status: criteria provided, single submitter. Criteria: Invitae Variant Classification Sherloc (09022015). Collection method: clinical testing. Allele origin: germline.
Comment: This sequence change replaces serine, which is neutral and polar, with glycine, which is neutral and non-polar, at codon 219 of the PEX12 protein (p.Ser219Gly). This variant is not present in population databases (gnomAD no frequency). This variant has not been reported in the literature in individuals affected with PEX12-related conditions. ClinVar contains an entry for this variant (Variation ID: 594160). Algorithms developed to predict the effect of missense changes on protein structure and function output the following: SIFT: "Tolerated"; PolyPhen-2: "Benign"; Align-GVGD: "Class C0". The glycine amino acid residue is found in multiple mammalian species, which suggests that this missense change does not adversely affect protein function. In summary, the available evidence is currently insufficient to determine the role of this variant in disease. Therefore, it has been classified as a Variant of Uncertain Significance.

Eurofins Ntd Llc (ga)
Classification: Uncertain significance. Last evaluated: 2017-09-21. Review status: criteria provided, single submitter. Criteria: EGL Classification Definitions 2015. Collection method: clinical testing. Allele origin: germline. Observed: 1 variant allele, 1 heterozygote.

NM_000286.3(PEX12):c.655A>G (p.Ser219Gly)

Gene: PEX12 (peroxisomal biogenesis factor 12; minus strand). Cytogenetic location: 17q12.
Variant type: single nucleotide variant.
Coding change: c.655A>G on transcript NM_000286.3 (MANE Select); coding-DNA position 655, A replaced by G.
Protein change: p.Ser219Gly; replaces serine 219 with glycine.
Molecular consequence: missense variant.
Genome position (GRCh38, 1-based): chr17:35,577,063, T>C on the plus strand (A>G on the coding strand, the complement: PEX12 is on the minus strand). VCF-style: chr17-35577063-T-C. GRCh37 (hg19) VCF-style: chr17-33904082-T-C.
Other names: c.655A>G (NM_000286.2); short protein forms S219G.
Identifiers: ClinVar variation 594160 (VCV000594160.7), dbSNP rs773891359, ClinGen allele CA290069219.